The following is an entry in ClinVar:

ClinVar aggregate classification (germline): Uncertain significance. Review status: criteria provided, multiple submitters, no conflicts (2 of 4 stars). 2 submissions from 2 submitters: Uncertain significance (2). Last evaluated 2023-06-22.

Conditions:
Inborn genetic diseases. Identifiers: MedGen C0950123, MeSH D030342.
Neurodevelopmental disorder with coarse facies and mild distal skeletal abnormalities. Also called: STOLERMAN NEURODEVELOPMENTAL SYNDROME. Identifiers: MedGen C5193134, MONDO:0032790, OMIM 618505.

Allele frequency attached by ClinVar (database versions not stated): TOPMed below 0.00001; ExAC 0.00002.
gnomAD v4.1: 12 of 1,609,220 alleles (0.00075%); highest among the groups gnomAD compares: South Asian, 0.0077%; no homozygotes.

Submissions (2):

Neuberg Centre For Genomic Medicine, NCGM
Classification: Uncertain significance for Neurodevelopmental disorder with coarse facies and mild distal skeletal abnormalities. Last evaluated: 2023-06-22. Review status: criteria provided, single submitter. Criteria: ACMG Guidelines, 2015. Collection method: clinical testing. Allele origin: germline. Inheritance: Autosomal dominant inheritance. Affected: yes.
Comment: The missense variant c.1594C>T (p.Arg532Cys) in the KDM6B gene has not been reported previously as a pathogenic variant nor as a benign variant, to our knowledge. This variant is reported with the allele frequency (0.001%) in the gnomAD Exomes. The amino acid Arg at position 532 is changed to a Cys changing protein sequence and it might alter its composition and physico-chemical properties. Multiple lines of computational evidence (Polyphen - Damaging, SIFT - Damaging and MutationTaster - Disease causing) predict a damaging effect on protein structure and function for this variant. The amino acid change p.Arg532Cys in KDM6B is predicted as conserved by GERP++ and PhyloP across 100 vertebrates. For these reasons, this variant has been classified as Uncertain Significance

Ambry Genetics
Classification: Uncertain significance for Inborn genetic diseases. Last evaluated: 2023-06-21. Review status: criteria provided, single submitter. Criteria: Ambry Variant Classification Scheme 2023. Collection method: clinical testing. Allele origin: germline.

NM_001348716.2(KDM6B):c.1594C>T (p.Arg532Cys)

Gene: KDM6B (lysine demethylase 6B; plus strand). Cytogenetic location: 17p13.1.
Variant type: single nucleotide variant.
Coding change: c.1594C>T on transcript NM_001348716.2 (MANE Select); coding-DNA position 1594, C replaced by T.
Protein change: p.Arg532Cys; replaces arginine 532 with cysteine.
Molecular consequence: missense variant.
Genome position (GRCh38, 1-based): chr17:7,847,882, C>T. VCF-style: chr17-7847882-C-T. GRCh37 (hg19) VCF-style: chr17-7751200-C-T.
Other names: c.1594C>T, p.Arg532Cys (NM_001080424.2); short protein forms R532C.
Identifiers: ClinVar variation 2605008 (VCV002605008.3), dbSNP rs754650989, ClinGen allele CA8360693.